The following is an entry in ClinVar:

NM_017780.4(CHD7):c.3165C>T (p.Thr1055=)

Gene: CHD7 (chromodomain helicase DNA binding protein 7; plus strand). Cytogenetic location: 8q12.2.
Variant type: single nucleotide variant.
Coding change: c.3165C>T on transcript NM_017780.4 (MANE Select); coding-DNA position 3165, C replaced by T.
Protein change: p.Thr1055=; no amino-acid change (threonine 1055 retained).
Molecular consequence: synonymous variant. On other transcripts: intron variant (1).
Genome position (GRCh38, 1-based): chr8:60,822,710, C>T. VCF-style: chr8-60822710-C-T. GRCh37 (hg19) VCF-style: chr8-61735269-C-T.
Other names: c.1717-39519C>T (NM_001316690.1).
Identifiers: ClinVar variation 3776567 (VCV003776567.1).

ClinVar aggregate classification (germline): Uncertain significance (1 of 4 stars; one submission).

gnomAD v4.1: 5 of 1,612,840 alleles (0.00031%); highest among the groups gnomAD compares: South Asian, 0.0033%; no homozygotes.

Submission:

GeneDx
Classification: Uncertain significance. Last evaluated: 2024-10-01. Review status: criteria provided, single submitter. Criteria: GeneDx Variant Classification Process June 2021. Collection method: clinical testing. Allele origin: germline. Affected: yes.
Comment: Not observed at significant frequency in large population cohorts (gnomAD); In silico analysis indicates that this variant does not alter splicing; Has not been previously published as pathogenic or benign to our knowledge